The following is an entry in ClinVar:

NM_001367721.1(CASK):c.285_288del (p.Asp95fs)

Gene: CASK (calcium/calmodulin dependent serine protein kinase; minus strand). Cytogenetic location: Xp11.4.
Variant type: Microsatellite.
Coding change: c.285_288del on transcript NM_001367721.1 (MANE Select); coding-DNA positions 285 to 288, 4 bases deleted (TGGA; older notation c.285_288delTGGA).
Protein change: p.Asp95fs; shifts the reading frame from aspartic acid 95.
Molecular consequence: frameshift variant.
Genome position (GRCh38, 1-based): chrX:41,745,592-41,745,595, TCCA deleted on the plus strand (TGGA on the coding strand, the reverse complement: CASK is on the minus strand); deleting any 4 consecutive bases within chrX:41,745,592-41,745,600 gives the same sequence; the c. name uses the placement nearest the transcript's 3' end. VCF-style (leftmost placement, unchanged base first): chrX-41745591-CTCCA-C. GRCh37 (hg19) VCF-style: chrX-41604844-CTCCA-C.
Other names: c.280_283ATGG[1], p.Asp95Glufs (NM_001126054.3, NM_001126055.3, NM_001410745.1 and 1 more transcripts); c.285_288delTGGA (NM_003688.3); short protein forms D95fs.
Identifiers: ClinVar variation 817740 (VCV000817740.2), dbSNP rs1602560972, ClinGen allele CA915950940.

ClinVar aggregate classification (germline): Pathogenic. Review status: criteria provided, multiple submitters, no conflicts (2 of 4 stars). 2 submissions from 2 submitters: Pathogenic (2). Last evaluated 2025-01-10.

Conditions:
Syndromic X-linked intellectual disability Najm type (MICPCH). Also called: MICPCH SYNDROME; Intellectual developmental disorder and microcephaly with pontine and cerebellar hypoplasia; Mental retardation and microcephaly with pontine and cerebellar hypoplasia; MENTAL RETARDATION, X-LINKED, SYNDROMIC, NAJM TYPE; Intellectual Disability and Microcephaly with Pontine and Cerebellar Hypoplasia (MICPCH); Intellectual Disability and Microcephaly with Pontine and Cerebellar Hypoplasia. Identifiers: Orphanet 163937, MedGen C2677903, MONDO:0010417, OMIM 300749.

Submissions (2):

3billion
Classification: Pathogenic for Syndromic X-linked intellectual disability Najm type. Last evaluated: 2025-01-10. Review status: criteria provided, single submitter. Criteria: ACMG Guidelines, 2015. Collection method: clinical testing. Allele origin: germline. Affected: yes.
Comment: The variant is not observed in the gnomAD v4.1.0 dataset. Predicted Consequence/Location: Frameshift: predicted to result in a loss or disruption of normal protein function through nonsense-mediated decay (NMD) or protein truncation. Multiple pathogenic variants are reported downstream of the variant. The variant has been reported to be associated with CASK-related disorder (ClinVar ID: VCV000817740). Therefore, this variant is classified as Pathogenic according to the recommendation of ACMG/AMP guideline.

GeneDx
Classification: Pathogenic. Last evaluated: 2018-07-26. Review status: criteria provided, single submitter. Criteria: GeneDx Variant Classification (06012015). Collection method: clinical testing. Allele origin: germline. Affected: yes.
Comment: The c.285_288delTGGA pathogenic variant in the CASK gene causes a frameshift starting with codon Aspartate 95, changes this amino acid to a Glutamate residue and creates a premature Stop codon at position 9 of the new reading frame, denoted p.Asp95GlufsX9. This pathogenic variant is predicted to cause loss of normal protein function either through protein truncation or nonsense-mediated mRNA decay. The c.285_288delTGGA variant is not observed in large population cohorts (Lek et al., 2016).